The following is an entry in ClinVar:

ClinVar aggregate classification (germline): Uncertain significance (1 of 4 stars; one submission).

Conditions:
Hyperphosphatasia with impaired intellectual development syndrome 2. Also called: GLYCOSYLPHOSPHATIDYLINOSITOL BIOSYNTHESIS DEFECT 6; Hyperphosphatasia with intellectual disability syndrome 2. Identifiers: Orphanet 247262, MedGen C3553637, MONDO:0013882, OMIM 614749.

Allele frequency attached by ClinVar (database versions not stated): TOPMed 0.00001; 1000 Genomes Project 30x 0.00016; 1000 Genomes Project 0.00020.
gnomAD v4.1: 18 of 1,613,954 alleles (0.0011%); highest among the groups gnomAD compares: Admixed American, 0.01%; no homozygotes.

Submission:

Labcorp Genetics (formerly Invitae), Labcorp
Classification: Uncertain significance for Hyperphosphatasia with impaired intellectual development syndrome 2. Last evaluated: 2017-03-06. Review status: criteria provided, single submitter. Criteria: Invitae Variant Classification Sherloc (09022015). Collection method: clinical testing. Allele origin: germline.
Comment: In summary, this variant is a rare missense change with uncertain impact on protein function. There is no indication that it causes disease, but the available evidence is currently insufficient to prove that conclusively. Therefore, it has been classified as a Variant of Uncertain Significance. Algorithms developed to predict the effect of missense changes on protein structure and function do not agree on the potential impact of this missense change (SIFT: "Deleterious"; PolyPhen-2: "Possibly Damaging"; Align-GVGD: "Class C0"). This variant is present in population databases (rs537260013, ExAC 0.01%) but has not been reported in the literature in individuals with a PIGO-related disease. This sequence change replaces arginine with histidine at codon 685 of the PIGO protein (p.Arg685His). The arginine residue is highly conserved and there is a small physicochemical difference between arginine and histidine.

NM_032634.4(PIGO):c.2054G>A (p.Arg685His)

Gene: PIGO (phosphatidylinositol glycan anchor biosynthesis class O; minus strand). Cytogenetic location: 9p13.3.
Variant type: single nucleotide variant.
Coding change: c.2054G>A on transcript NM_032634.4 (MANE Select); coding-DNA position 2054, G replaced by A.
Protein change: p.Arg685His; replaces arginine 685 with histidine.
Molecular consequence: missense variant. On other transcripts: intron variant (2).
Genome position (GRCh38, 1-based): chr9:35,091,833, C>T on the plus strand (G>A on the coding strand, the complement: PIGO is on the minus strand). VCF-style: chr9-35091833-C-T. GRCh37 (hg19) VCF-style: chr9-35091830-C-T.
Other names: c.1345-542G>A (NM_152850.4, NM_001201484.2); short protein forms R685H.
Identifiers: ClinVar variation 473221 (VCV000473221.9), dbSNP rs537260013, ClinGen allele CA5040511.
Genomic context (GRCh38, chr9:35,091,833, plus strand): 5'-CGCACAAAGAGCATGGGTGGCTCGGGGCTCTTGAGATTACCATAGCGGCGAAGCCACAAG[C>T]GCACGGCAGCTAACAGGGCCACCAGCGCCGCCACACAAGCTCCATACCACAAATTCTTGG-3'
Protein context (NP_116023.2, residues 675-695): AALVALLAAV[Arg685His]LWLRRYGNLK